The following is an entry in ClinVar:

NM_003151.4(STAT4):c.1853-7T>G

Gene: STAT4 (signal transducer and activator of transcription 4; minus strand). Cytogenetic location: 2q32.2.
Variant type: single nucleotide variant.
Coding change: c.1853-7T>G on transcript NM_003151.4 (MANE Select); 7 bases into the intron before coding-DNA position 1853, T replaced by G.
Molecular consequence: intron variant.
Genome position (GRCh38, 1-based): chr2:191,033,156, A>C on the plus strand (T>G on the coding strand, the complement: STAT4 is on the minus strand). VCF-style: chr2-191033156-A-C. GRCh37 (hg19) VCF-style: chr2-191897882-A-C.
Other names: c.1853-7T>G (NM_001243835.2).
Identifiers: ClinVar variation 1929032 (VCV001929032.5), dbSNP rs1476697834, ClinGen allele CA538915249.
Genomic context (GRCh38, chr2:191,033,156, plus strand): 5'-GAGCAGACAACCGGCCTTTATTGTAGGGTTCTACAGAGTGGAATCTCACTTCCCCTTGAA[A>C]AACAGAAATTGGAGAAATATACAGGTTCCTGTACACATTCCTTGTGACCATTTCTTCCCT-3'

ClinVar aggregate classification (germline): Uncertain significance (1 of 4 stars; one submission).

Allele frequency attached by ClinVar (database versions not stated): gnomAD exomes below 0.00001; TOPMed 0.00001.
gnomAD v4.1: 4 of 1,611,526 alleles (0.00025%); highest among the groups gnomAD compares: East Asian, 0.0067%; no homozygotes.

Submission:

Labcorp Genetics (formerly Invitae), Labcorp
Classification: Uncertain significance. Last evaluated: 2022-06-14. Review status: criteria provided, single submitter. Criteria: Invitae Variant Classification Sherloc (09022015). Collection method: clinical testing. Allele origin: germline.
Comment: In summary, the available evidence is currently insufficient to determine the role of this variant in disease. Therefore, it has been classified as a Variant of Uncertain Significance. Algorithms developed to predict the effect of sequence changes on RNA splicing suggest that this variant may disrupt the consensus splice site. This variant has not been reported in the literature in individuals affected with STAT4-related conditions. This variant is present in population databases (no rsID available, gnomAD 0.01%). This sequence change falls in intron 20 of the STAT4 gene. It does not directly change the encoded amino acid sequence of the STAT4 protein.